The following is an entry in ClinVar:

NM_004425.4(ECM1):c.760C>T (p.Arg254Ter)

Gene: ECM1 (extracellular matrix protein 1; plus strand). Cytogenetic location: 1q21.2.
Variant type: single nucleotide variant.
Coding change: c.760C>T on transcript NM_004425.4 (MANE Select); coding-DNA position 760, C replaced by T.
Protein change: p.Arg254Ter; replaces arginine 254 with a stop codon.
Molecular consequence: nonsense. On other transcripts: intron variant (1).
Genome position (GRCh38, 1-based): chr1:150,511,508, C>T. VCF-style: chr1-150511508-C-T. GRCh37 (hg19) VCF-style: chr1-150483984-C-T.
Other names: p.Arg281*; c.841C>T, p.Arg281Ter (NM_001202858.2); c.708+310C>T (NM_022664.3); short protein forms R254*, R281*.
Identifiers: ClinVar variation 987237 (VCV000987237.3), dbSNP rs1560266014, ClinGen allele CA342333564.

ClinVar aggregate classification (germline): Pathogenic. Review status: criteria provided, multiple submitters, no conflicts (2 of 4 stars). 3 submissions from 3 submitters: Pathogenic (3). Last evaluated 2026-03-03.

Conditions:
Lipid proteinosis. Also called: Lipoid Proteinosis of Urbach and Wiethe; lipoid proteinosis; HYALINOSIS CUTIS ET MUCOSAE; Urbach Wiethe disease. Identifiers: Orphanet 530, MedGen C0023795, MONDO:0009530, OMIM 247100.

Allele frequency attached by ClinVar (database versions not stated): gnomAD exomes below 0.00001.

Submissions (3):

Clinical Genetics Laboratory, Hai Phong University of Medicine and Pharmacy
Classification: Pathogenic for Lipoid proteinosis. Last evaluated: 2026-03-03. Review status: criteria provided, single submitter. Criteria: ACMG Guidelines, 2015. Collection method: research. Allele origin: germline. Inheritance: Autosomal recessive inheritance. Affected: yes. Observed: 1 variant allele, 1 heterozygote.
Comment: This variant is a nonsense variant predicted to cause loss of function in ECM1, a gene in which loss-of-function is a known mechanism of disease. According to ACMG/AMP guidelines, this variant meets criteria for pathogenic classification.

Molecular Diagnostics Laboratory, M Health Fairview: University of Minnesota
Classification: Pathogenic for Lipid proteinosis. Last evaluated: 2025-12-31. Review status: criteria provided, single submitter. Criteria: ACMG Guidelines, 2015. Collection method: clinical testing. Allele origin: germline. Affected: yes.

Institute of Medical Genetics and Applied Genomics, University Hospital Tübingen
Classification: Pathogenic. Last evaluated: 2020-10-23. Review status: criteria provided, single submitter. Criteria: ACMG Guidelines, 2015. Collection method: clinical testing. Allele origin: germline. Inheritance: Unknown mechanism. Affected: yes.